The following is an entry in ClinVar:

NM_020975.6(RET):c.3060_3062del (p.Ser1021del)

Gene: RET (ret proto-oncogene; plus strand). Cytogenetic location: 10q11.21.
Variant type: Deletion.
Coding change: c.3060_3062del on transcript NM_020975.6 (MANE Select); coding-DNA positions 3060 to 3062, 3 bases deleted (GTC; older notation c.3060_3062delGTC).
Protein change: p.Ser1021del; deletes serine 1021.
Molecular consequence: inframe deletion. On other transcripts: inframe indel (42).
Genome position (GRCh38, 1-based): chr10:43,126,595-43,126,597, GTC deleted; deleting any 3 consecutive bases within chr10:43,126,594-43,126,597 gives the same sequence; the c. name uses the placement nearest the transcript's 3' end. VCF-style (leftmost placement, unchanged base first): chr10-43126593-GCGT-G. GRCh37 (hg19) VCF-style: chr10-43622041-GCGT-G.
Other names: c.3060_3062delGTC, p.Ser1021del (NM_000323.2, NM_001406743.1, NM_001406744.1 and 4 more transcripts); c.2298_2300delGTC, p.Ser767del (NM_001355216.2); c.2931_2933delGTC, p.Ser978del (NM_001406761.1, NM_001406762.1, NM_001406764.1); c.2925_2927delGTC, p.Ser976del (NM_001406763.1, NM_001406765.1); c.2772_2774delGTC, p.Ser925del (NM_001406766.1, NM_001406767.1, NM_001406770.1); c.2796_2798delGTC, p.Ser933del (NM_001406768.1); c.2664_2666delGTC, p.Ser889del (NM_001406769.1, NM_001406772.1); c.2622_2624delGTC, p.Ser875del (NM_001406771.1, NM_001406773.1); and 10 more; short protein forms S1021del, S767del, S538del, S586del, S677del, S679del, S779del, S875del.
Identifiers: ClinVar variation 580867 (VCV000580867.11), dbSNP rs1564501844, ClinGen allele CA891842538.

ClinVar aggregate classification (germline): Uncertain significance. Review status: criteria provided, multiple submitters, no conflicts (2 of 4 stars). 2 submissions from 2 submitters: Uncertain significance (2). Last evaluated 2024-05-09.

Conditions:
Multiple endocrine neoplasia, type 2 (MEN2). Identifiers: Orphanet 653, MedGen C4048306, MONDO:0019003. Disease mechanism: gain of function.

Submissions (2):

All of Us Research Program, National Institutes of Health
Classification: Uncertain significance for Multiple endocrine neoplasia, type 2. Last evaluated: 2024-05-09. Review status: criteria provided, single submitter. Criteria: ACMG Guidelines, 2015. Collection method: clinical testing. Allele origin: germline. Inheritance: Autosomal dominant inheritance. Observed: 1 variant allele, 1 heterozygote.
Comment: This study involves interpretation of variants in research participants for the purpose of population health screening. Participant phenotype was not available at the time of variant classification. Additional details can be found in publication PMID: 35346344, PMCID: PMC8962531

Labcorp Genetics (formerly Invitae), Labcorp
Classification: Uncertain significance for Multiple endocrine neoplasia, type 2. Last evaluated: 2023-12-31. Review status: criteria provided, single submitter. Criteria: Invitae Variant Classification Sherloc (09022015). Collection method: clinical testing. Allele origin: germline.
Comment: This variant, c.3060_3062del, results in the deletion of 1 amino acid(s) of the RET protein (p.Ser1021del), but otherwise preserves the integrity of the reading frame. This variant is not present in population databases (gnomAD no frequency). This variant has not been reported in the literature in individuals affected with RET-related conditions. ClinVar contains an entry for this variant (Variation ID: 580867). Experimental studies and prediction algorithms are not available or were not evaluated, and the functional significance of this variant is currently unknown. In summary, the available evidence is currently insufficient to determine the role of this variant in disease. Therefore, it has been classified as a Variant of Uncertain Significance.